The following is an entry in ClinVar:

NC_012920.1(MT-CO1):m.7408A>G

Gene: MT-CO1 (mitochondrially encoded cytochrome c oxidase I; plus strand).
Variant type: single nucleotide variant.
Genome position: chrM-7408-A-G.
Identifiers: ClinVar variation 692742 (VCV000692742.1), dbSNP rs1603220949, ClinGen allele CA414792756.

ClinVar aggregate classification (germline): Uncertain significance (1 of 4 stars; one submission).

Conditions:
Leigh syndrome (NULS). Also called: Leigh's necrotizing encephalopathy; Leigh's disease; Leigh Syndrome (mtDNA deletion); Leigh Disease; Subacute necrotizing encephalopathy; Necrotizing encephalopathy infantile subacute of Leigh. Identifiers: Orphanet 506, MedGen C2931891, MONDO:0009723, OMIM 256000.

Submission:

Wong Mito Lab, Molecular and Human Genetics, Baylor College of Medicine
Classification: Uncertain significance for Leigh syndrome. Last evaluated: 2019-10-17. Review status: criteria provided, single submitter. Criteria: Modified ACMG Guidelines (Unpublished). Collection method: clinical testing. Allele origin: germline.
Comment: The NC_012920.1:m.7408A>G (YP_003024028.1:p.Tyr502Cys) variant in MTCO1 gene is interpretated to be a Uncertain Significance variant based on the modified ACMG guidelines (unpublished). This variant meets the following evidence codes: no criteria